The following is an entry in ClinVar:

NM_001079872.2(CUL4B):c.738C>T (p.Cys246=)

Gene: CUL4B (cullin 4B; minus strand). Cytogenetic location: Xq24.
Variant type: single nucleotide variant.
Coding change: c.738C>T on transcript NM_001079872.2 (MANE Select); coding-DNA position 738, C replaced by T.
Protein change: p.Cys246=; no amino-acid change (cysteine 246 retained).
Molecular consequence: synonymous variant.
Genome position (GRCh38, 1-based): chrX:120,547,174, G>A on the plus strand (C>T on the coding strand, the complement: CUL4B is on the minus strand). VCF-style: chrX-120547174-G-A. GRCh37 (hg19) VCF-style: chrX-119681029-G-A.
Other names: c.753C>T, p.Cys251= (NM_001330624.2); c.204C>T, p.Cys68= (NM_001369145.1); c.792C>T, p.Cys264= (NM_003588.4).
Identifiers: ClinVar variation 4978380 (VCV004978380.1).

ClinVar aggregate classification (germline): Likely benign (1 of 4 stars; one submission).

Conditions:
CUL4B-related disorder. Also called: CUL4B-related condition.

gnomAD v4.1: 16 of 1,205,112 alleles (0.0013%); highest among the groups gnomAD compares: South Asian, 0.0018%; no homozygotes.

Submission:

PreventionGenetics, part of Exact Sciences
Classification: Likely benign for CUL4B-related condition. Last evaluated: 2025-01-13. Review status: criteria provided, single submitter. Criteria: ACMG Guidelines, 2015. Collection method: clinical testing. Allele origin: germline.
Comment: This variant is classified as likely benign based on ACMG/AMP sequence variant interpretation guidelines (Richards et al. 2015 PMID: 25741868, with internal and published modifications).